The following is an entry in ClinVar:

ClinVar aggregate classification (germline): Pathogenic (1 of 4 stars; one submission).

gnomAD v4.1: 1 of 1,612,996 alleles (0.000062%); highest among the groups gnomAD compares: Admixed American, 0.0017%; no homozygotes.

Submission:

Labcorp Genetics (formerly Invitae), Labcorp
Classification: Pathogenic. Last evaluated: 2024-06-30. Review status: criteria provided, single submitter. Criteria: Invitae Variant Classification Sherloc (09022015). Collection method: clinical testing. Allele origin: germline.
Comment: This sequence change creates a premature translational stop signal (p.Glu922*) in the NALCN gene. It is expected to result in an absent or disrupted protein product. Loss-of-function variants in NALCN are known to be pathogenic (PMID: 23749988, 24075186). This variant is not present in population databases (gnomAD no frequency). This variant has not been reported in the literature in individuals affected with NALCN-related conditions. For these reasons, this variant has been classified as Pathogenic.

Literature cited by the submitters: PubMed 23749988; PubMed 24075186.

NM_052867.4(NALCN):c.2764G>T (p.Glu922Ter)

Gene: NALCN (sodium leak channel, non-selective; minus strand). Cytogenetic location: 13q33.1.
Variant type: single nucleotide variant.
Coding change: c.2764G>T on transcript NM_052867.4 (MANE Select); coding-DNA position 2764, G replaced by T.
Protein change: p.Glu922Ter; replaces glutamic acid 922 with a stop codon.
Molecular consequence: nonsense.
Genome position (GRCh38, 1-based): chr13:101,104,420, C>A on the plus strand (G>T on the coding strand, the complement: NALCN is on the minus strand). VCF-style: chr13-101104420-C-A. GRCh37 (hg19) VCF-style: chr13-101756771-C-A.
Other names: c.2851G>T, p.Glu951Ter (NM_001350748.2); c.2764G>T, p.Glu922Ter (NM_001350749.2); c.2677G>T, p.Glu893Ter (NM_001350750.2, NM_001350751.2); short protein forms E951*, E922*, E893*.
Identifiers: ClinVar variation 3674112 (VCV003674112.2).
Genomic context (GRCh38, chr13:101,104,420, plus strand): 5'-AGCCATCTGCCATAATCTTCAGATTAAGCTCAATGCTCATGAATATCACAAACACATACT[C>A]AGCAATCTGAAACGGGCAAAAGGCAGTTTGGTTACAATGAACGGAAAAACAGCAGGTCAG-3'